The following is an entry in ClinVar:

ClinVar aggregate classification (germline): Pathogenic/Likely pathogenic. Review status: criteria provided, multiple submitters, no conflicts (2 of 4 stars). 5 submissions from 5 submitters: Pathogenic (2); Likely pathogenic (3). Last evaluated 2025-11-03.

Conditions:
Mitochondrial complex IV deficiency, nuclear type 1 (MC4DN1). Also called: Mitochondrial complex IV deficiency; Complex 4 mitochondrial respiratory chain deficiency; Deficiency of mitochondrial respiratory chain complex4; Complex IV deficiency; COX DEFICIENCY. Identifiers: MedGen C5435656, MONDO:0700250, OMIM 220110. Disease mechanism: loss of function.
Charcot-Marie-Tooth disease type 4K. Also called: CHARCOT-MARIE-TOOTH DISEASE, DEMYELINATING, AUTOSOMAL RECESSIVE, TYPE 4K; CHARCOT-MARIE-TOOTH NEUROPATHY, DEMYELINATING, AUTOSOMAL RECESSIVE, TYPE 4K; CHARCOT-MARIE-TOOTH DISEASE, DEMYELINATING, TYPE 4K. Identifiers: Orphanet 391351, MedGen C4225246, MONDO:0014733, OMIM 616684.
Leigh syndrome (NULS). Also called: Leigh's syndrome; Leigh Disease; Subacute necrotizing encephalopathy; Necrotizing encephalopathy infantile subacute of Leigh; LEIGH SYNDROME, NUCLEAR; Leigh Syndrome (mtDNA deletion). Identifiers: Orphanet 506, MedGen C2931891, MONDO:0009723, OMIM 256000.
SURF1-related disorder. Also called: SURF1-related condition.

Allele frequency attached by ClinVar (database versions not stated): TOPMed below 0.00001; gnomAD 0.00001; gnomAD exomes 0.00001.
gnomAD v4.1: 17 of 1,613,318 alleles (0.0011%); highest among the groups gnomAD compares: Admixed American, 0.0017%; no homozygotes.

Submissions (5):

Labcorp Genetics (formerly Invitae), Labcorp
Classification: Likely pathogenic for Leigh syndrome. Last evaluated: 2025-11-03. Review status: criteria provided, single submitter. Criteria: Invitae Variant Classification Sherloc (09022015). Collection method: clinical testing. Allele origin: germline.
Comment: This sequence change replaces arginine, which is basic and polar, with glutamine, which is neutral and polar, at codon 192 of the SURF1 protein (p.Arg192Gln). The frequency data for this variant in the population databases is considered unreliable, as metrics indicate poor data quality at this position in the gnomAD database. This missense change has been observed in individuals with clinical features of SURF1-related conditions (PMID: 23829769, 30872186, 35094435). ClinVar contains an entry for this variant (Variation ID: 1329011). Invitae Evidence Modeling of protein sequence and biophysical properties (such as structural, functional, and spatial information, amino acid conservation, physicochemical variation, residue mobility, and thermodynamic stability) indicates that this missense variant is expected to disrupt SURF1 protein function with a positive predictive value of 95%. This variant disrupts the p.Arg192 amino acid residue in SURF1. Other variant(s) that disrupt this residue have been determined to be pathogenic (PMID: 12515039, 19780766, 24027061, 27896082; internal data). This suggests that this residue is clinically significant, and that variants that disrupt this residue are likely to be disease-causing. In summary, the currently available evidence indicates that the variant is pathogenic, but additional data are needed to prove that conclusively. Therefore, this variant has been classified as Likely Pathogenic.

Mendelics
Classification: Pathogenic for Mitochondrial complex IV deficiency, nuclear type 1. Last evaluated: 2022-05-04. Review status: criteria provided, single submitter. Criteria: Mendelics Assertion Criteria 2019. Collection method: clinical testing. Allele origin: germline.

Blueprint Genetics
Classification: Pathogenic for SURF1-related disorders. Last evaluated: 2021-12-09. Review status: criteria provided, single submitter. Criteria: ACMG Guidelines, 2015. Collection method: clinical testing. Allele origin: germline. Affected: yes. Observed: 3 variant alleles.

Women's Health and Genetics/Laboratory Corporation of America, LabCorp
Classification: Likely pathogenic for Leigh syndrome. Last evaluated: 2021-11-30. Review status: criteria provided, single submitter. Criteria: LabCorp Variant Classification Summary - May 2015. Collection method: clinical testing. Allele origin: germline.
Comment: Variant summary: SURF1 c.575G>A (p.Arg192Gln) results in a conservative amino acid change in the encoded protein sequence. Four of five in-silico tools predict a damaging effect of the variant on protein function. The variant allele was found at a frequency of 1.2e-05 in 249494 control chromosomes (gnomAD). c.575G>A has been reported in the literature in two compound heterozygous individuals with mitochondrial complex IV deficiency, affected with Leigh Syndrome (Wedatilake_2013, Schoonen_2019). These data indicate that the variant is likely to be associated with disease. To our knowledge, no experimental evidence demonstrating an impact on protein function has been reported. No clinical diagnostic laboratories have submitted clinical-significance assessments for this variant to ClinVar after 2014. Based on the evidence outlined above, the variant was classified as likely pathogenic.

Fulgent Genetics
Classification: Likely pathogenic for Mitochondrial complex IV deficiency, nuclear type 1; Charcot-Marie-Tooth disease type 4K. Last evaluated: 2021-07-19. Review status: criteria provided, single submitter. Criteria: ACMG Guidelines, 2015. Collection method: clinical testing. Allele origin: unknown.

Literature cited by the submitters: PubMed 23829769 (cited by Labcorp Genetics (formerly Invitae), Labcorp and Women's Health and Genetics/Laboratory Corporation of America, LabCorp); PubMed 30872186 (cited by Labcorp Genetics (formerly Invitae), Labcorp and Women's Health and Genetics/Laboratory Corporation of America, LabCorp); PubMed 35094435 (cited by Labcorp Genetics (formerly Invitae), Labcorp); PubMed 12515039 (cited by Labcorp Genetics (formerly Invitae), Labcorp); PubMed 19780766 (cited by Labcorp Genetics (formerly Invitae), Labcorp); PubMed 24027061 (cited by Labcorp Genetics (formerly Invitae), Labcorp); PubMed 27896082 (cited by Labcorp Genetics (formerly Invitae), Labcorp).

NM_003172.4(SURF1):c.575G>A (p.Arg192Gln)

Gene: SURF1 (SURF1 cytochrome c oxidase assembly factor; minus strand). Cytogenetic location: 9q34.2.
Variant type: single nucleotide variant.
Coding change: c.575G>A on transcript NM_003172.4 (MANE Select); coding-DNA position 575, G replaced by A.
Protein change: p.Arg192Gln; replaces arginine 192 with glutamine.
Molecular consequence: missense variant.
Genome position (GRCh38, 1-based): chr9:133,352,707, C>T on the plus strand (G>A on the coding strand, the complement: SURF1 is on the minus strand). VCF-style: chr9-133352707-C-T. GRCh37 (hg19) VCF-style: chr9-136219562-C-T.
Other names: c.248G>A, p.Arg83Gln (NM_001280787.1); short protein forms R192Q, R83Q.
Identifiers: ClinVar variation 1329011 (VCV001329011.8), dbSNP rs782021521, ClinGen allele CA200832499.